The following is an entry in ClinVar:

NM_000038.6(APC):c.3494A>T (p.Lys1165Ile)

Gene: APC (APC regulator of Wnt signaling pathway; plus strand). Cytogenetic location: 5q22.2.
Variant type: single nucleotide variant.
Coding change: c.3494A>T on transcript NM_000038.6 (MANE Select); coding-DNA position 3494, A replaced by T.
Protein change: p.Lys1165Ile; replaces lysine 1165 with isoleucine.
Molecular consequence: missense variant.
Genome position (GRCh38, 1-based): chr5:112,839,088, A>T. VCF-style: chr5-112839088-A-T. GRCh37 (hg19) VCF-style: chr5-112174785-A-T.
Other names: c.3494A>T, p.Lys1165Ile (NM_001127510.3, NM_001354895.2); c.3440A>T, p.Lys1147Ile (NM_001127511.3); c.3548A>T, p.Lys1183Ile (NM_001354896.2); c.3524A>T, p.Lys1175Ile (NM_001354897.2); c.3419A>T, p.Lys1140Ile (NM_001354898.2); c.3410A>T, p.Lys1137Ile (NM_001354899.2); c.3371A>T, p.Lys1124Ile (NM_001354900.2); c.3317A>T, p.Lys1106Ile (NM_001354901.2); and 5 more; short protein forms K1165I, K1147I, K1064I, K1074I, K1106I, K1175I, K882I, K1140I.
Identifiers: ClinVar variation 630118 (VCV000630118.17), dbSNP rs765887499, ClinGen allele CA035535.
Genomic context (GRCh38, chr5:112,839,088, plus strand): 5'-AACGTTACTCTGAAGAAGAACAGCATGAAGAAGAAGAGAGACCAACAAATTATAGCATAA[A>T]ATATAATGAAGAGAAACGTCATGTGGATCAGCCTATTGATTATAGTTTAAAATATGCCAC-3'
Protein context (NP_000029.2, residues 1155-1175): EEERPTNYSI[Lys1165Ile]YNEEKRHVDQ

ClinVar aggregate classification (germline): Uncertain significance. Review status: criteria provided, multiple submitters, no conflicts (2 of 4 stars). 6 submissions from 6 submitters: Uncertain significance (6). Last evaluated 2025-09-13.

Conditions:
Hereditary cancer-predisposing syndrome. Also called: Neoplastic Syndromes, Hereditary; Tumor predisposition; Hereditary neoplastic syndrome; Hereditary Cancer Syndrome. Identifiers: Orphanet 140162, MedGen C0027672, MeSH D009386, MONDO:0015356.
Classic or attenuated familial adenomatous polyposis. Identifiers: MedGen CN372698, MONDO:0021057.
Familial adenomatous polyposis 1 (FAP1). Also called: POLYPOSIS, ADENOMATOUS INTESTINAL; FAMILIAL ADENOMATOUS POLYPOSIS 1, ATTENUATED. Identifiers: MedGen C2713442, MONDO:0021056, OMIM 175100. Disease mechanism: loss of function.

Allele frequency attached by ClinVar (database versions not stated): gnomAD exomes below 0.00001; ExAC 0.00001.

Submissions (6):

Labcorp Genetics (formerly Invitae), Labcorp
Classification: Uncertain significance for Familial adenomatous polyposis 1. Last evaluated: 2025-09-13. Review status: criteria provided, single submitter. Criteria: Invitae Variant Classification Sherloc (09022015). Collection method: clinical testing. Allele origin: germline.
Comment: This sequence change replaces lysine, which is basic and polar, with isoleucine, which is neutral and non-polar, at codon 1165 of the APC protein (p.Lys1165Ile). This variant is present in population databases (rs765887499, gnomAD 0.006%). This missense change has been observed in individual(s) with familial adenomatous polyposis (PMID: 35633533). ClinVar contains an entry for this variant (Variation ID: 630118). Invitae Evidence Modeling of protein sequence and biophysical properties (such as structural, functional, and spatial information, amino acid conservation, physicochemical variation, residue mobility, and thermodynamic stability) indicates that this missense variant is not expected to disrupt APC protein function with a negative predictive value of 95%. In summary, the available evidence is currently insufficient to determine the role of this variant in disease. Therefore, it has been classified as a Variant of Uncertain Significance.

Quest Diagnostics Nichols Institute San Juan Capistrano
Classification: Uncertain significance. Last evaluated: 2025-04-21. Review status: criteria provided, single submitter. Criteria: Quest Diagnostics criteria. Collection method: clinical testing. Allele origin: unknown.
Comment: The APC c.3494A>T (p.Lys1165Ile) variant has been reported in an individual with familial adenomatous polyposis (FAP) (PMID: 35633533 (2022)). The frequency of this variant in the general population (Genome Aggregation Database) is uninformative in the assessment of its pathogenicity. Analysis of this variant using bioinformatics tools for the prediction of the effect of amino acid changes on protein structure and function yielded predictions that this variant is damaging. Based on the available information, we are unable to determine the clinical significance of this variant.

Color Diagnostics, LLC DBA Color Health
Classification: Uncertain significance for Hereditary cancer-predisposing syndrome. Last evaluated: 2024-03-06. Review status: criteria provided, single submitter. Criteria: ACMG Guidelines, 2015. Collection method: clinical testing. Allele origin: germline.
Comment: This missense variant replaces lysine with isoleucine at codon 1165 of the APC protein. Computational prediction suggests that this variant may have deleterious impact on protein structure and function (internally defined REVEL score threshold >= 0.7, PMID: 27666373). To our knowledge, functional studies have not been reported for this variant. This variant has not been reported in individuals affected with APC-related disorders in the literature. This variant has been identified in 1/250556 chromosomes in the general population by the Genome Aggregation Database (gnomAD). The available evidence is insufficient to determine the role of this variant in disease conclusively. Therefore, this variant is classified as a Variant of Uncertain Significance.

Ambry Genetics
Classification: Uncertain significance for Hereditary cancer-predisposing syndrome. Last evaluated: 2024-03-01. Review status: criteria provided, single submitter. Criteria: Ambry Variant Classification Scheme 2023. Collection method: clinical testing. Allele origin: germline.
Comment: The p.K1165I variant (also known as c.3494A>T), located in coding exon 15 of the APC gene, results from an A to T substitution at nucleotide position 3494. The lysine at codon 1165 is replaced by isoleucine, an amino acid with dissimilar properties. This amino acid position is highly conserved in available vertebrate species. In addition, in silico predictors for this gene do not accurately predict pathogenicity. Since supporting evidence is limited at this time, the clinical significance of this alteration remains unclear.

All of Us Research Program, National Institutes of Health
Classification: Uncertain significance for Classic or attenuated familial adenomatous polyposis. Last evaluated: 2023-10-23. Review status: criteria provided, single submitter. Criteria: ACMG Guidelines, 2015. Collection method: clinical testing. Allele origin: germline. Inheritance: Autosomal dominant inheritance. Observed: 1 variant allele, 1 heterozygote.
Comment: This missense variant replaces lysine with isoleucine at codon 1165 of the APC protein. Computational prediction suggests that this variant may have deleterious impact on protein structure and function (internally defined REVEL score threshold >= 0.7, PMID: 27666373). To our knowledge, functional studies have not been reported for this variant. This variant has not been reported in individuals affected with APC-related disorders in the literature. This variant has been identified in 1/250556 chromosomes in the general population by the Genome Aggregation Database (gnomAD). The available evidence is insufficient to determine the role of this variant in disease conclusively. Therefore, this variant is classified as a Variant of Uncertain Significance.

This study involves interpretation of variants in research participants for the purpose of population health screening. Participant phenotype was not available at the time of variant classification. Additional details can be found in publication PMID: 35346344, PMCID: PMC8962531

GeneDx
Classification: Uncertain significance. Last evaluated: 2022-12-16. Review status: criteria provided, single submitter. Criteria: GeneDx Variant Classification Process June 2021. Collection method: clinical testing. Allele origin: germline. Affected: yes.
Comment: Not observed at significant frequency in large population cohorts (gnomAD); In silico analysis supports that this missense variant has a deleterious effect on protein structure/function; Has not been previously published as pathogenic or benign to our knowledge; This variant is associated with the following publications: (PMID: 18199528)

Literature cited by the submitters: PubMed 35633533 (cited by Labcorp Genetics (formerly Invitae), Labcorp and Quest Diagnostics Nichols Institute San Juan Capistrano).